The following is an entry in ClinVar:

ClinVar aggregate classification (germline): Uncertain significance. Review status: criteria provided, multiple submitters, no conflicts (2 of 4 stars). 2 submissions from 2 submitters: Uncertain significance (2). Last evaluated 2025-12-15.

gnomAD v4.1: 28 of 1,312,606 alleles (0.0021%); highest among the groups gnomAD compares: Non-Finnish European, 0.0028%; no homozygotes.

Submissions (2):

Ambry Genetics
Classification: Uncertain significance. Last evaluated: 2025-12-15. Review status: criteria provided, single submitter. Criteria: Ambry Variant Classification Scheme 2023. Collection method: clinical testing. Allele origin: germline.

Labcorp Genetics (formerly Invitae), Labcorp
Classification: Uncertain significance. Last evaluated: 2025-06-29. Review status: criteria provided, single submitter. Criteria: Invitae Variant Classification Sherloc (09022015). Collection method: clinical testing. Allele origin: germline.
Comment: This sequence change replaces aspartic acid, which is acidic and polar, with tyrosine, which is neutral and polar, at codon 106 of the WNT3 protein (p.Asp106Tyr). This variant is present in population databases (no rsID available, gnomAD 0.002%). This variant has not been reported in the literature in individuals affected with WNT3-related conditions. Invitae Evidence Modeling of protein sequence and biophysical properties (such as structural, functional, and spatial information, amino acid conservation, physicochemical variation, residue mobility, and thermodynamic stability) indicates that this missense variant is not expected to disrupt WNT3 protein function with a negative predictive value of 80%. In summary, the available evidence is currently insufficient to determine the role of this variant in disease. Therefore, it has been classified as a Variant of Uncertain Significance.

NM_030753.5(WNT3):c.316G>T (p.Asp106Tyr)

Genes: LRRC37A2 (leucine rich repeat containing 37 member A2), WNT3 (Wnt family member 3; minus strand). Cytogenetic location: 17q21.31.
Variant type: single nucleotide variant.
Coding change: c.316G>T on transcript NM_030753.5 (MANE Select); coding-DNA position 316, G replaced by T.
Protein change: p.Asp106Tyr; replaces aspartic acid 106 with tyrosine.
Molecular consequence: missense variant.
Genome position (GRCh38, 1-based): chr17:46,773,674, C>A on the plus strand (G>T on the coding strand, the complement: WNT3 is on the minus strand). VCF-style: chr17-46773674-C-A. GRCh37 (hg19) VCF-style: chr17-44851040-C-A.
Other names: c.316G>T (NM_030753.3); short protein forms D106Y.
Identifiers: ClinVar variation 4705115 (VCV004705115.2).